The following is an entry in ClinVar:

ClinVar aggregate classification (germline): Uncertain significance (1 of 4 stars; one submission).

Conditions:
Inflammatory skin and bowel disease, neonatal, 1. Identifiers: Orphanet 294023, MedGen C3280501, MONDO:0013693, OMIM 614328.

gnomAD v4.1: 3 of 1,614,040 alleles (0.00019%); highest among the groups gnomAD compares: African/African-American, 0.0027%; no homozygotes.

Submission:

Labcorp Genetics (formerly Invitae), Labcorp
Classification: Uncertain significance for Inflammatory skin and bowel disease, neonatal, 1. Last evaluated: 2024-10-15. Review status: criteria provided, single submitter. Criteria: Invitae Variant Classification Sherloc (09022015). Collection method: clinical testing. Allele origin: germline.
Comment: This sequence change creates a premature translational stop signal (p.Gln763*) in the ADAM17 gene. While this is not anticipated to result in nonsense mediated decay, it is expected to disrupt the last 62 amino acid(s) of the ADAM17 protein. This variant is present in population databases (no rsID available, gnomAD 0.007%). This variant has not been reported in the literature in individuals affected with ADAM17-related conditions. Experimental studies and prediction algorithms are not available or were not evaluated, and the functional significance of this variant is currently unknown. In summary, the available evidence is currently insufficient to determine the role of this variant in disease. Therefore, it has been classified as a Variant of Uncertain Significance.

NM_003183.6(ADAM17):c.2287C>T (p.Gln763Ter)

Genes: ADAM17 (ADAM metallopeptidase domain 17; minus strand), IAH1 (isoamyl acetate hydrolyzing esterase 1 (putative); plus strand). Cytogenetic location: 2p25.1.
Variant type: single nucleotide variant.
Coding change: c.2287C>T on transcript NM_003183.6 (MANE Select); coding-DNA position 2287, C replaced by T.
Protein change: p.Gln763Ter; replaces glutamine 763 with a stop codon.
Molecular consequence: nonsense.
Genome position (GRCh38, 1-based): chr2:9,490,365, G>A on the plus strand (C>T on the coding strand, the complement: ADAM17 is on the minus strand). VCF-style: chr2-9490365-G-A. GRCh37 (hg19) VCF-style: chr2-9630494-G-A.
Other names: c.1627C>T, p.Gln543Ter (NM_001382777.1); c.1390C>T, p.Gln464Ter (NM_001382778.1); short protein forms Q763*, Q543*, Q464*.
Identifiers: ClinVar variation 3685256 (VCV003685256.2).